The following is an entry in ClinVar:

ClinVar aggregate classification (germline): Uncertain significance (1 of 4 stars; one submission).

Conditions:
Autosomal recessive limb-girdle muscular dystrophy type 2J (LGMDR10). Also called: Limb-girdle muscular dystrophy, type 2J; MUSCULAR DYSTROPHY, LIMB-GIRDLE, AUTOSOMAL RECESSIVE 10. Identifiers: Orphanet 140922, MedGen C1837342, MONDO:0012127, OMIM 608807.
Dilated cardiomyopathy 1G (CMD1G). Identifiers: Orphanet 154, MedGen C1858763, MONDO:0011400, OMIM 604145.

Submission:

Labcorp Genetics (formerly Invitae), Labcorp
Classification: Uncertain significance for Dilated cardiomyopathy 1G; Autosomal recessive limb-girdle muscular dystrophy type 2J. Last evaluated: 2019-08-05. Review status: criteria provided, single submitter. Criteria: Invitae Variant Classification Sherloc (09022015). Collection method: clinical testing. Allele origin: germline.
Comment: This variant is located in the A band of TTN (PMID: 25589632). Variants in this region may be relevant for cardiac or neuromuscular disorders (PMID: 25589632, 23975875). In summary, the available evidence is currently insufficient to determine the role of this variant in disease. Therefore, it has been classified as a Variant of Uncertain Significance. Nucleotide substitutions within the consensus splice site are a relatively common cause of aberrant splicing (PMID: 17576681, 9536098). Algorithms developed to predict the effect of sequence changes on RNA splicing suggest that this variant may disrupt the consensus splice site, but this prediction has not been confirmed by published transcriptional studies. This variant has not been reported in the literature in individuals with TTN-related conditions. This variant is not present in population databases (ExAC no frequency). This sequence change falls in intron 319 of the TTN gene. It does not directly change the encoded amino acid sequence of the TTN protein, but it affects a nucleotide within the consensus splice site of the intron.

Literature cited by the submitters: PubMed 25589632; PubMed 23975875; PubMed 17576681; PubMed 9536098.

NM_001267550.2(TTN):c.67636+2_67636+3insC

Genes: TTN (titin; minus strand), TTN-AS1 (TTN antisense RNA 1; plus strand), LOC126806423 (CDK7 strongly-dependent group 2 enhancer GRCh37_chr2:179443309-179444508; plus strand). Cytogenetic location: 2q31.2.
Variant type: Insertion.
Coding change: c.67636+2_67636+3insC on transcript NM_001267550.2 (MANE Select); the canonical splice donor site of the intron after coding-DNA position 67636 through 3 bases into the intron after coding-DNA position 67636, C inserted.
Molecular consequence: splice donor variant.
Genome position: GRCh38 VCF-style: chr2-178579558-T-TG. GRCh37 (hg19) VCF-style: chr2-179444285-T-TG.
Other names: c.40441+2_40441+3insC (NM_003319.4); c.41017+2_41017+3insC (NM_133437.4); c.40816+2_40816+3insC (NM_133432.3); c.59932+2_59932+3insC (NM_133378.4); c.62713+2_62713+3insC (NM_001256850.1).
Identifiers: ClinVar variation 948226 (VCV000948226.10), dbSNP rs2047225762, ClinGen allele CA1139657439.